The following is an entry in ClinVar:

NM_002718.5(PPP2R3A):c.3031A>G (p.Met1011Val)

Gene: PPP2R3A (protein phosphatase 2 regulatory subunit B''alpha; plus strand). Cytogenetic location: 3q22.3.
Variant type: single nucleotide variant.
Coding change: c.3031A>G on transcript NM_002718.5 (MANE Select); coding-DNA position 3031, A replaced by G.
Protein change: p.Met1011Val; replaces methionine 1011 with valine.
Molecular consequence: missense variant.
Genome position (GRCh38, 1-based): chr3:136,102,110, A>G. VCF-style: chr3-136102110-A-G. GRCh37 (hg19) VCF-style: chr3-135820952-A-G.
Other names: c.823A>G, p.Met275Val (NM_001190447.2); c.1168A>G, p.Met390Val (NM_181897.3); short protein forms M1011V, M275V, M390V.
Identifiers: ClinVar variation 3033314 (VCV003033314.2), dbSNP rs116786430, ClinGen allele CA2631049.

ClinVar aggregate classification (germline): Benign (0 of 4 stars; one submission).

Conditions:
PPP2R3A-related disorder. Also called: PPP2R3A-related condition.

Allele frequency attached by ClinVar (database versions not stated): gnomAD 0.00576; ESP Exome Variant Server 0.00607; 1000 Genomes Project 30x 0.00640; TOPMed 0.00651; 1000 Genomes Project 0.00699; gnomAD exomes 0.00059; ExAC 0.00173.

Submission:

PreventionGenetics, part of Exact Sciences
Classification: Benign for PPP2R3A-related condition. Last evaluated: 2019-05-02. Review status: no assertion criteria provided. Collection method: clinical testing. Allele origin: germline.
Comment: This variant is classified as benign based on ACMG/AMP sequence variant interpretation guidelines (Richards et al. 2015 PMID: 25741868, with internal and published modifications).